The following is an entry in ClinVar:

NM_004493.3(HSD17B10):c.550C>T (p.Arg184Trp)

Gene: HSD17B10 (hydroxysteroid 17-beta dehydrogenase 10; minus strand). Cytogenetic location: Xp11.22.
Variant type: single nucleotide variant.
Coding change: c.550C>T on transcript NM_004493.3 (MANE Select); coding-DNA position 550, C replaced by T.
Protein change: p.Arg184Trp; replaces arginine 184 with tryptophan.
Molecular consequence: missense variant.
Genome position (GRCh38, 1-based): chrX:53,431,843, G>A on the plus strand (C>T on the coding strand, the complement: HSD17B10 is on the minus strand). VCF-style: chrX-53431843-G-A. GRCh37 (hg19) VCF-style: chrX-53458791-G-A.
Other names: c.550C>T, p.Arg184Trp (NM_001037811.2); short protein forms R184W.
Identifiers: ClinVar variation 4856636 (VCV004856636.1).
Genomic context (GRCh38, chrX:53,431,843, plus strand): 5'-AGGGGATATGTCTACCTGGGGCAATGGTCATCACCCGGATACCTATGGGAGCCAGATCCC[G>A]AGCAATGGGCAGTGTCATGCCCACTATTCCCCCCTTGGAAGCAGAGTATGCAGCTTGTCC-3'
Protein context (NP_004484.1, residues 174-194): GIVGMTLPIA[Arg184Trp]DLAPIGIRVM

ClinVar aggregate classification (germline): Pathogenic (1 of 4 stars; one submission).

Conditions:
HSD10 mitochondrial disease (HSD10MD). Also called: 2-METHYL-3-HYDROXYBUTYRYL-CoA DEHYDROGENASE DEFICIENCY; HSD17B10 DEFICIENCY; MHBD DEFICIENCY; HSD10 disease; 17-beta-hydroxysteroid dehydrogenase X deficiency; Chorioathetosis with Mental Retardation and Abnormal Behavior. Identifiers: Orphanet 391417, Orphanet 85295, MedGen C3266731, MONDO:0010327, OMIM 300438. Disease mechanism: loss of function.

Submission:

Ozbek Human Genetics Laboratory, Izmir Biomedicine and Genome Center
Classification: Pathogenic for HSD10 mitochondrial disease. Last evaluated: 2026-02-05. Review status: criteria provided, single submitter. Criteria: ACMG Guidelines, 2015. Collection method: research. Allele origin: de novo. Affected: yes. Observed: 1 variant allele, 1 heterozygote.
Comment: A heterozygous p.Arg184Trp missense variant was detected in exon 5 of the HSD17B10 gene (NM_004493.3). This variant is very rarely observed in population databases (PM2). Missense variants are a common mechanism for the disease, and the probability of these variants being benign is low (PP2). In silico pathogenicity scores for the variant, particularly AlphaMissense, are high (PP3). The "HSD17B10:c.551G>A" change located in the same region is classified as likely pathogenic (PM5). This variant was not observed in the parents, was detected de novo, and was found to be phenotypically compatible (PS2). Based on this information, this variant is classified as a pathogenic variant according to ACMG criteria. The HSD17B10 gene is associated with the autosomal dominantly inherited "HSD10 mitochondrial disease" in the OMIM database. Data obtained via the RAREBOOST project (Horizon 2020 ERA Chairs at Izmir Biomedicine and Genome Center - IBG)